The following is an entry in ClinVar:

ClinVar aggregate classification (germline): Uncertain significance (1 of 4 stars; one submission).

Submission:

Labcorp Genetics (formerly Invitae), Labcorp
Classification: Uncertain significance. Last evaluated: 2026-01-01. Review status: criteria provided, single submitter. Criteria: Invitae Variant Classification Sherloc (09022015). Collection method: clinical testing. Allele origin: germline.
Comment: This sequence change replaces threonine, which is neutral and polar, with isoleucine, which is neutral and non-polar, at codon 617 of the MYLK3 protein (p.Thr617Ile). This variant is not present in population databases (gnomAD no frequency). This variant has not been reported in the literature in individuals affected with MYLK3-related conditions. An algorithm developed to predict the effect of missense changes on protein structure and function outputs the following: PolyPhen-2: "Possibly Damaging". The isoleucine amino acid residue is found in multiple mammalian species, which suggests that this missense change does not adversely affect protein function. In summary, the available evidence is currently insufficient to determine the role of this variant in disease. Therefore, it has been classified as a Variant of Uncertain Significance.

NM_182493.3(MYLK3):c.1850C>T (p.Thr617Ile)

Gene: MYLK3 (myosin light chain kinase 3; minus strand). Cytogenetic location: 16q11.2.
Variant type: single nucleotide variant.
Coding change: c.1850C>T on transcript NM_182493.3 (MANE Select); coding-DNA position 1850, C replaced by T.
Protein change: p.Thr617Ile; replaces threonine 617 with isoleucine.
Molecular consequence: missense variant.
Genome position (GRCh38, 1-based): chr16:46,727,300, G>A on the plus strand (C>T on the coding strand, the complement: MYLK3 is on the minus strand). VCF-style: chr16-46727300-G-A. GRCh37 (hg19) VCF-style: chr16-46761212-G-A.
Other names: c.827C>T, p.Thr276Ile (NM_001308301.1); short protein forms T276I, T617I.
Identifiers: ClinVar variation 4734571 (VCV004734571.1).